The following is an entry in ClinVar:

NM_005591.4(MRE11):c.1225+19_1225+20inv

Gene: MRE11 (MRE11 homolog, double strand break repair nuclease; minus strand). Cytogenetic location: 11q21.
Variant type: Inversion.
Coding change: c.1225+19_1225+20inv on transcript NM_005591.4 (MANE Select).
Molecular consequence: intron variant.
Genome position: GRCh38 VCF-style: chr11-94464093-CA-TG. GRCh37 (hg19) VCF-style: chr11-94197259-CA-TG.
Other names: c.1225+19_1225+20inv (NM_001330347.2, NM_005590.4).
Identifiers: ClinVar variation 2199339 (VCV002199339.1), ClinGen allele CA2580085069.

ClinVar aggregate classification (germline): Uncertain significance (1 of 4 stars; one submission).

Conditions:
Ataxia-telangiectasia-like disorder (ATLD). Identifiers: MedGen C1858391, MONDO:0011457.

Submission:

Labcorp Genetics (formerly Invitae), Labcorp
Classification: Uncertain significance for Ataxia-telangiectasia-like disorder. Last evaluated: 2022-08-29. Review status: criteria provided, single submitter. Criteria: Invitae Variant Classification Sherloc (09022015). Collection method: clinical testing. Allele origin: germline.
Comment: This sequence change falls in intron 11 of the MRE11 gene. It does not directly change the encoded amino acid sequence of the MRE11 protein. Information on the frequency of this variant in the gnomAD database is not available, as this variant may be reported differently in the database. This variant has not been reported in the literature in individuals affected with MRE11-related conditions. Experimental studies and prediction algorithms are not available or were not evaluated, and the effect of this variant on mRNA splicing is currently unknown. In summary, the available evidence is currently insufficient to determine the role of this variant in disease. Therefore, it has been classified as a Variant of Uncertain Significance.